The following is an entry in ClinVar:

NM_001256715.2(DNAAF3):c.1618G>A (p.Gly540Arg)

Gene: DNAAF3 (dynein axonemal assembly factor 3; minus strand). Cytogenetic location: 19q13.42.
Variant type: single nucleotide variant.
Coding change: c.1618G>A on transcript NM_001256715.2 (MANE Select); coding-DNA position 1618, G replaced by A.
Protein change: p.Gly540Arg; replaces glycine 540 with arginine.
Molecular consequence: missense variant.
Genome position (GRCh38, 1-based): chr19:55,159,070, C>T on the plus strand (G>A on the coding strand, the complement: DNAAF3 is on the minus strand). VCF-style: chr19-55159070-C-T. GRCh37 (hg19) VCF-style: chr19-55670438-C-T.
Other names: c.1819G>A, p.Gly607Arg (NM_001256714.1); c.1456G>A, p.Gly486Arg (NM_001256716.2); c.1759G>A, p.Gly587Arg (NM_178837.4); short protein forms G486R, G540R, G587R, G607R.
Identifiers: ClinVar variation 3609813 (VCV003609813.3).

ClinVar aggregate classification (germline): Conflicting classifications of pathogenicity. Review status: criteria provided, conflicting classifications (1 of 4 stars). 2 submissions from 2 submitters: Uncertain significance (1); Likely benign (1). Last evaluated 2026-04-21.

Conditions:
Primary ciliary dyskinesia. Also called: Ciliary dyskinesia. Identifiers: Orphanet 244, MedGen C0008780, MONDO:0016575, HP:0012265.

gnomAD v4.1: 21 of 1,589,880 alleles (0.0013%); highest among the groups gnomAD compares: African/African-American, 0.0027%; no homozygotes.

Submissions (2):

Ambry Genetics
Classification: Likely benign for Primary ciliary dyskinesia. Last evaluated: 2026-04-21. Review status: criteria provided, single submitter. Criteria: Ambry Variant Classification Scheme 2023. Collection method: clinical testing. Allele origin: germline.

Labcorp Genetics (formerly Invitae), Labcorp
Classification: Uncertain significance for Primary ciliary dyskinesia. Last evaluated: 2024-06-20. Review status: criteria provided, single submitter. Criteria: Invitae Variant Classification Sherloc (09022015). Collection method: clinical testing. Allele origin: germline.
Comment: This sequence change replaces glycine, which is neutral and non-polar, with arginine, which is basic and polar, at codon 607 of the DNAAF3 protein (p.Gly607Arg). This variant is present in population databases (no rsID available, gnomAD 0.007%). This variant has not been reported in the literature in individuals affected with DNAAF3-related conditions. Algorithms developed to predict the effect of missense changes on protein structure and function output the following: SIFT: "Not Available"; PolyPhen-2: "Possibly Damaging"; Align-GVGD: "Not Available". The arginine amino acid residue is found in multiple mammalian species, which suggests that this missense change does not adversely affect protein function. In summary, the available evidence is currently insufficient to determine the role of this variant in disease. Therefore, it has been classified as a Variant of Uncertain Significance.